The following is an entry in ClinVar:

ClinVar aggregate classification (germline): Uncertain significance. Review status: criteria provided, multiple submitters, no conflicts (2 of 4 stars). 3 submissions from 3 submitters: Uncertain significance (3). Last evaluated 2025-11-08.

Conditions:
Inborn genetic diseases. Identifiers: MedGen C0950123, MeSH D030342.
Lissencephaly 9 with complex brainstem malformation. Identifiers: Orphanet 572013, MedGen C5193029, MONDO:0032677, OMIM 618325.

gnomAD v4.1: 15 of 1,614,094 alleles (0.00093%); highest among the groups gnomAD compares: East Asian, 0.0022%; no homozygotes.

Submissions (3):

Ambry Genetics
Classification: Uncertain significance for Inborn genetic diseases. Last evaluated: 2025-11-08. Review status: criteria provided, single submitter. Criteria: Ambry Variant Classification Scheme 2023. Collection method: clinical testing. Allele origin: germline.

Blueprint Genetics
Classification: Uncertain significance. Last evaluated: 2024-05-30. Review status: criteria provided, single submitter. Criteria: ACMG Guidelines, 2015. Collection method: clinical testing. Allele origin: germline.

Neuberg Centre For Genomic Medicine, NCGM
Classification: Uncertain significance for Lissencephaly 9 with complex brainstem malformation. Review status: criteria provided, single submitter. Criteria: ACMG Guidelines, 2015. Collection method: clinical testing. Allele origin: germline. Inheritance: Autosomal dominant inheritance. Affected: yes.
Comment: The observed missense variant c.4951C>T(p.Arg1651Cys) in MACF1 gene has not been reported previously as a pathogenic variant nor as a benign variant, to our knowledge. The c.4951C>T variant is absent in gnomAD Exomes. The amino acid Arginine at position 1651 is changed to a Cystiene changing protein sequence and it might alter its composition and physico-chemical properties. The variant is predicted to be damaging by SIFT. The amino acid change p.Arg1651Cys in MACF1 is predicted as conserved by GERP++ and PhyloP across 100 vertebrates. For these reasons, this variant has been classified as Uncertain Significance.

NM_001394062.1(MACF1):c.11137C>T (p.Arg3713Cys)

Gene: MACF1 (microtubule actin crosslinking factor 1; plus strand). Cytogenetic location: 1p34.3.
Variant type: single nucleotide variant.
Coding change: c.11137C>T on transcript NM_001394062.1 (MANE Select); coding-DNA position 11137, C replaced by T.
Protein change: p.Arg3713Cys; replaces arginine 3713 with cysteine.
Molecular consequence: missense variant.
Genome position (GRCh38, 1-based): chr1:39,350,956, C>T. VCF-style: chr1-39350956-C-T. GRCh37 (hg19) VCF-style: chr1-39816628-C-T.
Other names: c.4951C>T (NM_012090.4); c.4951C>T, p.Arg1651Cys (NM_012090.5); short protein forms R1651C, R3713C.
Identifiers: ClinVar variation 3242052 (VCV003242052.3), dbSNP rs747228400.